The following is an entry in ClinVar:

NM_144997.7(FLCN):c.514A>G (p.Ile172Val)

Gene: FLCN (folliculin; minus strand). Cytogenetic location: 17p11.2.
Variant type: single nucleotide variant.
Coding change: c.514A>G on transcript NM_144997.7 (MANE Select); coding-DNA position 514, A replaced by G.
Protein change: p.Ile172Val; replaces isoleucine 172 with valine.
Molecular consequence: missense variant.
Genome position (GRCh38, 1-based): chr17:17,224,026, T>C on the plus strand (A>G on the coding strand, the complement: FLCN is on the minus strand). VCF-style: chr17-17224026-T-C. GRCh37 (hg19) VCF-style: chr17-17127340-T-C.
Other names: c.514A>G (LRG_325t1); c.568A>G, p.Ile190Val (NM_001353229.2); c.514A>G, p.Ile172Val (NM_001353230.2, NM_001353231.2, NM_144606.7); short protein forms I172V, I190V.
Identifiers: ClinVar variation 569359 (VCV000569359.7), dbSNP rs1290646710, ClinGen allele CA398534388.
Genomic context (GRCh38, chr17:17,224,026, plus strand): 5'-TCCCCAGCAGGAAGGGCCAGGAGTTGATGAGGTAGATCCGGTCCATCATGATGGTGATGA[T>C]GCTGTACCAGCGCTGGAAGCCCCTGGCCAGGCTGTCCTTGATGAAGAAGGTGTGGCTGAA-3'
Protein context (NP_659434.2, residues 162-182): LARGFQRWYS[Ile172Val]ITIMMDRIYL

ClinVar aggregate classification (germline): Uncertain significance. Review status: criteria provided, multiple submitters, no conflicts (2 of 4 stars). 2 submissions from 2 submitters: Uncertain significance (2). Last evaluated 2025-03-16.

Conditions:
Hereditary cancer-predisposing syndrome. Also called: Hereditary neoplastic syndrome; Neoplastic Syndromes, Hereditary; Hereditary Cancer Syndrome; Tumor predisposition. Identifiers: Orphanet 140162, MedGen C0027672, MeSH D009386, MONDO:0015356.
Birt-Hogg-Dube syndrome. Also called: Birt Hogg Dubé syndrome. Identifiers: Orphanet 122, MedGen C0346010, MONDO:0800444.

Allele frequency attached by ClinVar (database versions not stated): gnomAD exomes below 0.00001.
gnomAD v4.1: 4 of 1,613,832 alleles (0.00025%); highest among the groups gnomAD compares: Non-Finnish European, 0.00034%; no homozygotes.

Submissions (2):

Ambry Genetics
Classification: Uncertain significance for Hereditary cancer-predisposing syndrome. Last evaluated: 2025-03-16. Review status: criteria provided, single submitter. Criteria: Ambry Variant Classification Scheme 2023. Collection method: clinical testing. Allele origin: germline.
Comment: The p.I172V variant (also known as c.514A>G), located in coding exon 3 of the FLCN gene, results from an A to G substitution at nucleotide position 514. The isoleucine at codon 172 is replaced by valine, an amino acid with highly similar properties. This amino acid position is well conserved in available vertebrate species. In addition, the in silico prediction for this alteration is inconclusive. Since supporting evidence is limited at this time, the clinical significance of this alteration remains unclear.

Labcorp Genetics (formerly Invitae), Labcorp
Classification: Uncertain significance for Birt-Hogg-Dube syndrome. Last evaluated: 2021-09-02. Review status: criteria provided, single submitter. Criteria: Invitae Variant Classification Sherloc (09022015). Collection method: clinical testing. Allele origin: germline.
Comment: This sequence change replaces isoleucine with valine at codon 172 of the FLCN protein (p.Ile172Val). The isoleucine residue is highly conserved and there is a small physicochemical difference between isoleucine and valine. This variant is not present in population databases (ExAC no frequency). This variant has not been reported in the literature in individuals affected with FLCN-related conditions. ClinVar contains an entry for this variant (Variation ID: 569359). Algorithms developed to predict the effect of missense changes on protein structure and function output the following: SIFT: "Tolerated"; PolyPhen-2: "Possibly Damaging"; Align-GVGD: "Class C15". The valine amino acid residue is found in multiple mammalian species, which suggests that this missense change does not adversely affect protein function. In summary, the available evidence is currently insufficient to determine the role of this variant in disease. Therefore, it has been classified as a Variant of Uncertain Significance.